The following is an entry in ClinVar:

ClinVar aggregate classification (germline): Likely pathogenic (1 of 4 stars; one submission).

Submission:

Labcorp Genetics (formerly Invitae), Labcorp
Classification: Likely pathogenic. Last evaluated: 2021-12-22. Review status: criteria provided, single submitter. Criteria: Invitae Variant Classification Sherloc (09022015). Collection method: clinical testing. Allele origin: germline.
Comment: This sequence change replaces glycine, which is neutral and non-polar, with valine, which is neutral and non-polar, at codon 392 of the TGM1 protein (p.Gly392Val). This variant is not present in population databases (gnomAD no frequency). This missense change has been observed in individual(s) with congenital ichthyosis (Invitae). In at least one individual the data is consistent with being in trans (on the opposite chromosome) from a pathogenic variant. Advanced modeling of protein sequence and biophysical properties (such as structural, functional, and spatial information, amino acid conservation, physicochemical variation, residue mobility, and thermodynamic stability) performed at Invitae indicates that this missense variant is expected to disrupt TGM1 protein function. In summary, the currently available evidence indicates that the variant is pathogenic, but additional data are needed to prove that conclusively. Therefore, this variant has been classified as Likely Pathogenic.

NM_000359.3(TGM1):c.1175G>T (p.Gly392Val)

Gene: TGM1 (transglutaminase 1; minus strand). Cytogenetic location: 14q12.
Variant type: single nucleotide variant.
Coding change: c.1175G>T on transcript NM_000359.3 (MANE Select); coding-DNA position 1175, G replaced by T.
Protein change: p.Gly392Val; replaces glycine 392 with valine.
Molecular consequence: missense variant.
Genome position (GRCh38, 1-based): chr14:24,258,658, C>A on the plus strand (G>T on the coding strand, the complement: TGM1 is on the minus strand). VCF-style: chr14-24258658-C-A. GRCh37 (hg19) VCF-style: chr14-24727864-C-A.
Other names: short protein forms G392V.
Identifiers: ClinVar variation 1491016 (VCV001491016.6), dbSNP rs121918726, ClinGen allele CA389262687.
Genomic context (GRCh38, chr14:24,258,658, plus strand): 5'-GTAAGGGATGTGTCTGTGTCGTGGGCGGAGTTGAAGTTGGTGACAGTACGGGTGGCCAGA[C>A]CCAGGCAGCGCAGCACTGTGGAGGAGCGAAGGTTGGGGTTCAAGGCATGGGTTGGGGGCA-3'
Protein context (NP_000350.1, residues 382-402): GVTTTVLRCL[Gly392Val]LATRTVTNFN